The following is an entry in ClinVar:

NM_014339.7(IL17RA):c.83C>T (p.Pro28Leu)

Gene: IL17RA (interleukin 17 receptor A; plus strand). Cytogenetic location: 22q11.1.
Variant type: single nucleotide variant.
Coding change: c.83C>T on transcript NM_014339.7 (MANE Select); coding-DNA position 83, C replaced by T.
Protein change: p.Pro28Leu; replaces proline 28 with leucine.
Molecular consequence: missense variant.
Genome position (GRCh38, 1-based): chr22:17,085,174, C>T. VCF-style: chr22-17085174-C-T. GRCh37 (hg19) VCF-style: chr22-17566064-C-T.
Other names: c.83C>T (NM_014339.5); c.83C>T, p.Pro28Leu (NM_001289905.2); short protein forms P28L.
Identifiers: ClinVar variation 2049952 (VCV002049952.2), dbSNP rs1487756841, ClinGen allele CA410210208.

ClinVar aggregate classification (germline): Uncertain significance. Review status: criteria provided, multiple submitters, no conflicts (2 of 4 stars). 2 submissions from 2 submitters: Uncertain significance (2). Last evaluated 2024-05-23.

Conditions:
Immunodeficiency 51 (IMD51). Also called: CANDIDIASIS, FAMILIAL, 5. Identifiers: Orphanet 1334, MedGen C4310803, MONDO:0013500, OMIM 613953.

Allele frequency attached by ClinVar (database versions not stated): gnomAD 0.00001; TOPMed 0.00002.
gnomAD v4.1: 15 of 1,525,062 alleles (0.00098%); highest among the groups gnomAD compares: East Asian, 0.0077%; no homozygotes.

Submissions (2):

Ambry Genetics
Classification: Uncertain significance. Last evaluated: 2024-05-23. Review status: criteria provided, single submitter. Criteria: Ambry Variant Classification Scheme 2023. Collection method: clinical testing. Allele origin: germline.

Labcorp Genetics (formerly Invitae), Labcorp
Classification: Uncertain significance for Immunodeficiency 51. Last evaluated: 2022-01-17. Review status: criteria provided, single submitter. Criteria: Invitae Variant Classification Sherloc (09022015). Collection method: clinical testing. Allele origin: germline.
Comment: This sequence change replaces proline, which is neutral and non-polar, with leucine, which is neutral and non-polar, at codon 28 of the IL17RA protein (p.Pro28Leu). This variant is not present in population databases (gnomAD no frequency). This variant has not been reported in the literature in individuals affected with IL17RA-related conditions. Algorithms developed to predict the effect of missense changes on protein structure and function output the following: SIFT: "Deleterious"; PolyPhen-2: "Not Available"; Align-GVGD: "Class C0". The leucine amino acid residue is found in multiple mammalian species, which suggests that this missense change does not adversely affect protein function. In summary, the available evidence is currently insufficient to determine the role of this variant in disease. Therefore, it has been classified as a Variant of Uncertain Significance.